The following is an entry in ClinVar:

NM_004991.4(MECOM):c.2721T>G (p.Asn907Lys)

Gene: MECOM (MDS1 and EVI1 complex locus; minus strand). Cytogenetic location: 3q26.2.
Variant type: single nucleotide variant.
Coding change: c.2721T>G on transcript NM_004991.4 (MANE Select); coding-DNA position 2721, T replaced by G.
Protein change: p.Asn907Lys; replaces asparagine 907 with lysine.
Molecular consequence: missense variant.
Genome position (GRCh38, 1-based): chr3:169,102,110, A>C on the plus strand (T>G on the coding strand, the complement: MECOM is on the minus strand). VCF-style: chr3-169102110-A-C. GRCh37 (hg19) VCF-style: chr3-168819898-A-C.
Other names: c.2352T>G, p.Asn784Lys (NM_001105077.4); c.2157T>G, p.Asn719Lys (NM_001105078.4, NM_001205194.2, NM_001366469.2 and 1 more transcripts); c.2133T>G, p.Asn711Lys (NM_001163999.2, NM_001366470.2); c.2130T>G, p.Asn710Lys (NM_001164000.2, NM_001366471.2, NM_001366472.2); c.2694T>G, p.Asn898Lys (NM_001366466.2); c.2160T>G, p.Asn720Lys (NM_001366467.2, NM_001366468.2); c.1722T>G, p.Asn574Lys (NM_001366473.2); c.1158T>G, p.Asn386Lys (NM_001366474.2); short protein forms N719K, N386K, N574K, N710K, N711K, N907K, N784K, N898K.
Identifiers: ClinVar variation 4053103 (VCV004053103.1).

ClinVar aggregate classification (germline): Uncertain significance (1 of 4 stars; one submission).

Conditions:
Inborn genetic diseases. Identifiers: MedGen C0950123, MeSH D030342.

gnomAD v4.1: 1 of 1,613,790 alleles (0.000062%); highest among the groups gnomAD compares: Non-Finnish European, 0.000085%; no homozygotes.

Submission:

Ambry Genetics
Classification: Uncertain significance for Inborn genetic diseases. Last evaluated: 2025-03-27. Review status: criteria provided, single submitter. Criteria: Ambry Variant Classification Scheme 2023. Collection method: clinical testing. Allele origin: germline.
Comment: The p.N907K variant (also known as c.2721T>G), located in coding exon 11 of the MECOM gene, results from a T to G substitution at nucleotide position 2721. The asparagine at codon 907 is replaced by lysine, an amino acid with similar properties. This amino acid position is conserved. In addition, this alteration is predicted to be tolerated by in silico analysis. Based on the available evidence, the clinical significance of this variant remains unclear.